The following is an entry in ClinVar:

ClinVar aggregate classification (germline): Uncertain significance. Review status: criteria provided, multiple submitters, no conflicts (2 of 4 stars). 2 submissions from 2 submitters: Uncertain significance (2). Last evaluated 2026-04-18.

Conditions:
Cardiovascular phenotype. Identifiers: MedGen CN230736.
Arrhythmogenic right ventricular dysplasia 12. Also called: ARRHYTHMOGENIC RIGHT VENTRICULAR DYSPLASIA, FAMILIAL, 12. Identifiers: MedGen C1969081, MONDO:0012684, OMIM 611528.
Naxos disease (NXD). Also called: KERATOSIS PALMOPLANTARIS WITH ARRHYTHMOGENIC CARDIOMYOPATHY; MAL DE NAXOS; PALMOPLANTAR KERATODERMA WITH ARRHYTHMOGENIC RIGHT VENTRICULAR CARDIOMYOPATHY AND WOOLLY HAIR; WOOLLY HAIR, PALMOPLANTAR KERATODERMA, AND CARDIAC ABNORMALITIES; CARDIOMYOPATHY, ARRHYTHMOGENIC RIGHT VENTRICULAR, WITH SKIN, HAIR, AND NAIL ABNORMALITIES. Identifiers: Orphanet 34217, MedGen C1832600, MONDO:0011017, OMIM 601214.

gnomAD v4.1: 1 of 1,614,198 alleles (0.000062%); highest among the groups gnomAD compares: Non-Finnish European, 0.000085%; no homozygotes.

Submissions (2):

Ambry Genetics
Classification: Uncertain significance for Cardiovascular phenotype. Last evaluated: 2026-04-18. Review status: criteria provided, single submitter. Criteria: Ambry Variant Classification Scheme 2023. Collection method: clinical testing. Allele origin: germline.
Comment: The p.C420R variant (also known as c.1258T>C), located in coding exon 7 of the JUP gene, results from a T to C substitution at nucleotide position 1258. The cysteine at codon 420 is replaced by arginine, an amino acid with highly dissimilar properties. This amino acid position is conserved. In addition, this alteration is predicted to be deleterious by in silico analysis. Based on the available evidence, the clinical significance of this variant remains unclear.

Labcorp Genetics (formerly Invitae), Labcorp
Classification: Uncertain significance for Arrhythmogenic right ventricular dysplasia 12; Naxos disease. Last evaluated: 2025-11-24. Review status: criteria provided, single submitter. Criteria: Invitae Variant Classification Sherloc (09022015). Collection method: clinical testing. Allele origin: germline.
Comment: This sequence change replaces cysteine, which is neutral and slightly polar, with arginine, which is basic and polar, at codon 420 of the JUP protein (p.Cys420Arg). This variant is present in population databases (rs781967657, gnomAD 0.0009%). This variant has not been reported in the literature in individuals affected with JUP-related conditions. ClinVar contains an entry for this variant (Variation ID: 3760967). An algorithm developed to predict the effect of missense changes on protein structure and function (PolyPhen-2) suggests that this variant is likely to be disruptive. In summary, the available evidence is currently insufficient to determine the role of this variant in disease. Therefore, it has been classified as a Variant of Uncertain Significance.

NM_002230.4(JUP):c.1258T>C (p.Cys420Arg)

Gene: JUP (junction plakoglobin; minus strand). Cytogenetic location: 17q21.2.
Variant type: single nucleotide variant.
Coding change: c.1258T>C on transcript NM_002230.4 (MANE Select); coding-DNA position 1258, T replaced by C.
Protein change: p.Cys420Arg; replaces cysteine 420 with arginine.
Molecular consequence: missense variant.
Genome position (GRCh38, 1-based): chr17:41,763,222, A>G on the plus strand (T>C on the coding strand, the complement: JUP is on the minus strand). VCF-style: chr17-41763222-A-G. GRCh37 (hg19) VCF-style: chr17-39919474-A-G.
Other names: c.1258T>C, p.Cys420Arg (NM_001352774.2, NM_001352775.2, NM_001352776.2 and 3 more transcripts); short protein forms C420R.
Identifiers: ClinVar variation 3760967 (VCV003760967.3).